The following is an entry in ClinVar:

NM_016139.4(CHCHD2):c.142G>A (p.Ala48Thr)

Gene: CHCHD2 (coiled-coil-helix-coiled-coil-helix domain containing 2; minus strand). Cytogenetic location: 7p11.2.
Variant type: single nucleotide variant.
Coding change: c.142G>A on transcript NM_016139.4 (MANE Select); coding-DNA position 142, G replaced by A.
Protein change: p.Ala48Thr; replaces alanine 48 with threonine.
Molecular consequence: missense variant.
Genome position (GRCh38, 1-based): chr7:56,104,384, C>T on the plus strand (G>A on the coding strand, the complement: CHCHD2 is on the minus strand). VCF-style: chr7-56104384-C-T. GRCh37 (hg19) VCF-style: chr7-56172077-C-T.
Other names: c.142G>A, p.Ala48Thr (NM_001320327.2); short protein forms A48T.
Identifiers: ClinVar variation 4773774 (VCV004773774.1).

ClinVar aggregate classification (germline): Uncertain significance (1 of 4 stars; one submission).

Submission:

Labcorp Genetics (formerly Invitae), Labcorp
Classification: Uncertain significance. Last evaluated: 2025-08-05. Review status: criteria provided, single submitter. Criteria: Invitae Variant Classification Sherloc (09022015). Collection method: clinical testing. Allele origin: germline.
Comment: This sequence change replaces alanine, which is neutral and non-polar, with threonine, which is neutral and polar, at codon 48 of the CHCHD2 protein (p.Ala48Thr). This variant is not present in population databases (gnomAD no frequency). This variant has not been reported in the literature in individuals affected with CHCHD2-related conditions. Experimental studies and prediction algorithms are not available or were not evaluated, and the functional significance of this variant is currently unknown. In summary, the available evidence is currently insufficient to determine the role of this variant in disease. Therefore, it has been classified as a Variant of Uncertain Significance.